The following is an entry in ClinVar:

ClinVar aggregate classification (germline): Likely pathogenic (1 of 4 stars; one submission).

Conditions:
Borjeson-Forssman-Lehmann syndrome (BFLS). Also called: MENTAL RETARDATION, X-LINKED, SYNDROMIC, BORJESON-FORSSMAN-LEHMANN TYPE; MENTAL RETARDATION, EPILEPSY, AND ENDOCRINE DISORDERS; BORJESON SYNDROME. Identifiers: Orphanet 127, MedGen C0265339, MONDO:0010537, OMIM 301900.

Submission:

Dubai Health Genomic Medicine Center, Dubai Health
Classification: Likely pathogenic for Borjeson-Forssman-Lehmann syndrome. Last evaluated: 2024-10-04. Review status: criteria provided, single submitter. Criteria: ACMG Guidelines, 2015. Collection method: research. Allele origin: germline. Affected: yes.
Comment: PS2,PM2,PP3

NM_001015877.2(PHF6):c.958G>A (p.Gly320Arg)

Gene: PHF6 (PHD finger protein 6; plus strand). Cytogenetic location: Xq26.2.
Variant type: single nucleotide variant.
Coding change: c.958G>A on transcript NM_001015877.2 (MANE Select); coding-DNA position 958, G replaced by A.
Protein change: p.Gly320Arg; replaces glycine 320 with arginine.
Molecular consequence: missense variant.
Genome position (GRCh38, 1-based): chrX:134,417,292, G>A. VCF-style: chrX-134417292-G-A. GRCh37 (hg19) VCF-style: chrX-133551322-G-A.
Other names: c.958G>A, p.Gly320Arg (NM_032458.3); short protein forms G320R.
Identifiers: ClinVar variation 3384072 (VCV003384072.1).